The following is an entry in ClinVar:

NM_020458.4(TTC7A):c.843G>A (p.Val281=)

Gene: TTC7A (tetratricopeptide repeat domain 7A; plus strand). Cytogenetic location: 2p21.
Variant type: single nucleotide variant.
Coding change: c.843G>A on transcript NM_020458.4 (MANE Select); coding-DNA position 843, G replaced by A.
Protein change: p.Val281=; no amino-acid change (valine 281 retained).
Molecular consequence: synonymous variant. On other transcripts: 5 prime UTR variant (1).
Genome position (GRCh38, 1-based): chr2:46,993,528, G>A. VCF-style: chr2-46993528-G-A. GRCh37 (hg19) VCF-style: chr2-47220667-G-A.
Other names: c.843G>A, p.Val281= (NM_001288951.2); c.741G>A, p.Val247= (NM_001288953.2); c.-62G>A (NM_001288955.2).
Identifiers: ClinVar variation 1489177 (VCV001489177.6), dbSNP rs1675839027, ClinGen allele CA425946712.

ClinVar aggregate classification (germline): Uncertain significance (1 of 4 stars; one submission).

Conditions:
Multiple gastrointestinal atresias. Also called: FAMILIAL INTESTINAL POLYATRESIA SYNDROME; Multiple intestinal atresia. Identifiers: Orphanet 2300, MedGen C0220744, MONDO:0009465.

Submission:

Labcorp Genetics (formerly Invitae), Labcorp
Classification: Uncertain significance for Multiple gastrointestinal atresias. Last evaluated: 2021-07-21. Review status: criteria provided, single submitter. Criteria: Invitae Variant Classification Sherloc (09022015). Collection method: clinical testing. Allele origin: germline.
Comment: This sequence change affects codon 281 of the TTC7A mRNA. It is a 'silent' change, meaning that it does not change the encoded amino acid sequence of the TTC7A protein. This variant also falls at the last nucleotide of exon 6, which is part of the consensus splice site for this exon. This variant is not present in population databases (ExAC no frequency). This variant has not been reported in the literature in individuals with TTC7A-related conditions. Nucleotide substitutions within the consensus splice site are a relatively common cause of aberrant splicing (PMID: 17576681, 9536098). Algorithms developed to predict the effect of sequence changes on RNA splicing suggest that this variant may disrupt the consensus splice site, but this prediction has not been confirmed by published transcriptional studies. In summary, the available evidence is currently insufficient to determine the role of this variant in disease. Therefore, it has been classified as a Variant of Uncertain Significance.

Literature cited by the submitters: PubMed 17576681; PubMed 9536098.